The following is an entry in ClinVar:

NM_000535.7(PMS2):c.1270T>C (p.Phe424Leu)

Gene: PMS2 (PMS1 homolog 2, mismatch repair system component; minus strand). Cytogenetic location: 7p22.1.
Variant type: single nucleotide variant.
Coding change: c.1270T>C on transcript NM_000535.7 (MANE Select); coding-DNA position 1270, T replaced by C.
Protein change: p.Phe424Leu; replaces phenylalanine 424 with leucine.
Molecular consequence: missense variant. On other transcripts: non-coding transcript variant (1).
Genome position (GRCh38, 1-based): chr7:5,987,495, A>G on the plus strand (T>C on the coding strand, the complement: PMS2 is on the minus strand). VCF-style: chr7-5987495-A-G. GRCh37 (hg19) VCF-style: chr7-6027126-A-G.
Other names: c.865T>C, p.Phe289Leu (NM_001322003.2, NM_001322004.2, NM_001322005.2 and 1 more transcripts); c.1114T>C, p.Phe372Leu (NM_001322006.2); c.952T>C, p.Phe318Leu (NM_001322007.2, NM_001322008.2); c.709T>C, p.Phe237Leu (NM_001322010.2); c.337T>C, p.Phe113Leu (NM_001322011.2, NM_001322012.2); c.697T>C, p.Phe233Leu (NM_001322013.2); c.1270T>C, p.Phe424Leu (NM_001322014.2); c.961T>C, p.Phe321Leu (NM_001322015.2); short protein forms F424L, F318L, F237L, F321L, F372L, F233L, F289L, F113L.
Identifiers: ClinVar variation 633368 (VCV000633368.7), dbSNP rs1562635229, ClinGen allele CA366742447.

ClinVar aggregate classification (germline): Uncertain significance. Review status: criteria provided, multiple submitters, no conflicts (2 of 4 stars). 3 submissions from 3 submitters: Uncertain significance (3). Last evaluated 2025-01-17.

Conditions:
Hereditary cancer-predisposing syndrome. Also called: Tumor predisposition; Neoplastic Syndromes, Hereditary; Hereditary neoplastic syndrome; Hereditary Cancer Syndrome. Identifiers: Orphanet 140162, MedGen C0027672, MeSH D009386, MONDO:0015356.
Hereditary nonpolyposis colorectal neoplasms. Identifiers: MedGen C0009405, MeSH D003123.

Submissions (3):

Ambry Genetics
Classification: Uncertain significance for Hereditary cancer-predisposing syndrome. Last evaluated: 2025-01-17. Review status: criteria provided, single submitter. Criteria: Ambry Variant Classification Scheme 2023. Collection method: clinical testing. Allele origin: germline.
Comment: The p.F424L variant (also known as c.1270T>C), located in coding exon 11 of the PMS2 gene, results from a T to C substitution at nucleotide position 1270. The phenylalanine at codon 424 is replaced by leucine, an amino acid with highly similar properties. This amino acid position is highly conserved in available vertebrate species. In addition, the in silico prediction for this alteration is inconclusive. Based on the available evidence, the clinical significance of this variant remains unclear.

Labcorp Genetics (formerly Invitae), Labcorp
Classification: Uncertain significance for Hereditary nonpolyposis colorectal neoplasms. Last evaluated: 2023-08-17. Review status: criteria provided, single submitter. Criteria: Invitae Variant Classification Sherloc (09022015). Collection method: clinical testing. Allele origin: germline.
Comment: In summary, the available evidence is currently insufficient to determine the role of this variant in disease. Therefore, it has been classified as a Variant of Uncertain Significance. Advanced modeling of protein sequence and biophysical properties (such as structural, functional, and spatial information, amino acid conservation, physicochemical variation, residue mobility, and thermodynamic stability) has been performed at Invitae for this missense variant, however the output from this modeling did not meet the statistical confidence thresholds required to predict the impact of this variant on PMS2 protein function. ClinVar contains an entry for this variant (Variation ID: 633368). This variant has not been reported in the literature in individuals affected with PMS2-related conditions. This variant is not present in population databases (gnomAD no frequency). This sequence change replaces phenylalanine, which is neutral and non-polar, with leucine, which is neutral and non-polar, at codon 424 of the PMS2 protein (p.Phe424Leu).

Women's Health and Genetics/Laboratory Corporation of America, LabCorp
Classification: Uncertain significance. Last evaluated: 2018-10-19. Review status: criteria provided, single submitter. Criteria: LabCorp Variant Classification Summary - May 2015. Collection method: clinical testing. Allele origin: germline.
Comment: Variant summary: PMS2 c.1270T>C (p.Phe424Leu) results in a non-conservative amino acid change in the encoded protein sequence. Three of five in-silico tools predict a damaging effect of the variant on protein function. The variant was absent in 276788 control chromosomes (gnomAD). The available data on variant occurrences in the general population are insufficient to allow any conclusion about variant significance. To our knowledge, no occurrence of c.1270T>C in individuals affected with Lynch Syndrome and no experimental evidence demonstrating its impact on protein function have been reported. No clinical diagnostic laboratories have submitted clinical-significance assessments for this variant to ClinVar after 2014. Based on the evidence outlined above, the variant was classified as uncertain significance.